The following is an entry in ClinVar:

ClinVar aggregate classification (germline): Uncertain significance. Review status: criteria provided, multiple submitters, no conflicts (2 of 4 stars). 2 submissions from 2 submitters: Uncertain significance (2). Last evaluated 2025-03-19.

Conditions:
SHORT syndrome. Also called: LIPODYSTROPHY, PARTIAL, WITH RIEGER ANOMALY AND SHORT STATURE; PIK3R1-Related SHORT Syndrome; SHORT STATURE, HYPEREXTENSIBILITY, HERNIA, OCULAR DEPRESSION, RIEGER ANOMALY, AND TEETHING DELAY. Identifiers: Orphanet 3163, MedGen C0878684, MONDO:0010026, OMIM 269880.
Agammaglobulinemia 7, autosomal recessive (AGM7). Also called: AGAMMAGLOBULINEMIA, AUTOSOMAL RECESSIVE, DUE TO PIK3R1 DEFECT. Identifiers: MedGen C3554689, MONDO:0014083, OMIM 615214.
Immunodeficiency 36 with lymphoproliferation. Also called: Immunodeficiency 36; ACTIVATED PI3K-DELTA SYNDROME 2; Activated PI3K Delta Syndrome Type 2 (APDS2). Identifiers: Orphanet 397596, Orphanet 693681, MedGen C4014934, MONDO:0014453, OMIM 616005.

Allele frequency attached by ClinVar (database versions not stated): ExAC 0.00001; gnomAD exomes 0.00001; TOPMed 0.00002; gnomAD 0.00003 and 0.00004.
gnomAD v4.1: 56 of 1,588,590 alleles (0.0035%); highest among the groups gnomAD compares: Non-Finnish European, 0.0046%; no homozygotes.

Submissions (2):

Women's Health and Genetics/Laboratory Corporation of America, LabCorp
Classification: Uncertain significance. Last evaluated: 2025-03-19. Review status: criteria provided, single submitter. Criteria: LabCorp Variant Classification Summary - May 2015. Collection method: clinical testing. Allele origin: germline.
Comment: Variant summary: PIK3R1 c.845A>C (p.Asn282Thr) results in a non-conservative amino acid change in the encoded protein sequence. Three of five in-silico tools predict a benign effect of the variant on protein function. The variant allele was found at a frequency of 8.3e-06 in 240362 control chromosomes. The available data on variant occurrences in the general population are insufficient to allow any conclusion about variant significance. To our knowledge, no occurrence of c.845A>C in individuals affected with SHORT Syndrome and no experimental evidence demonstrating its impact on protein function have been reported. ClinVar contains an entry for this variant (Variation ID: 1362263). Based on the evidence outlined above, the variant was classified as uncertain significance.

Labcorp Genetics (formerly Invitae), Labcorp
Classification: Uncertain significance for SHORT syndrome; Immunodeficiency 36 with lymphoproliferation; Agammaglobulinemia 7, autosomal recessive. Last evaluated: 2025-02-20. Review status: criteria provided, single submitter. Criteria: Invitae Variant Classification Sherloc (09022015). Collection method: clinical testing. Allele origin: germline.
Comment: This sequence change replaces asparagine, which is neutral and polar, with threonine, which is neutral and polar, at codon 282 of the PIK3R1 protein (p.Asn282Thr). This variant is present in population databases (rs771365361, gnomAD 0.004%). This variant has not been reported in the literature in individuals affected with PIK3R1-related conditions. ClinVar contains an entry for this variant (Variation ID: 1362263). An algorithm developed to predict the effect of missense changes on protein structure and function (PolyPhen-2) suggests that this variant is likely to be tolerated. In summary, the available evidence is currently insufficient to determine the role of this variant in disease. Therefore, it has been classified as a Variant of Uncertain Significance.

NM_181523.3(PIK3R1):c.845A>C (p.Asn282Thr)

Gene: PIK3R1 (phosphoinositide-3-kinase regulatory subunit 1; plus strand). Cytogenetic location: 5q13.1.
Variant type: single nucleotide variant.
Coding change: c.845A>C on transcript NM_181523.3 (MANE Select); coding-DNA position 845, A replaced by C.
Protein change: p.Asn282Thr; replaces asparagine 282 with threonine.
Molecular consequence: missense variant.
Genome position (GRCh38, 1-based): chr5:68,280,935, A>C. VCF-style: chr5-68280935-A-C. GRCh37 (hg19) VCF-style: chr5-67576763-A-C.
Other names: short protein forms N282T.
Identifiers: ClinVar variation 1362263 (VCV001362263.9), dbSNP rs771365361, ClinGen allele CA3290156.
Genomic context (GRCh38, chr5:68,280,935, plus strand): 5'-AAATGAGTTTGCTTTTAGGGAAAAGGTTTCTAATAAACTCTCTTTCTTACAGCTCTGATA[A>C]TACTGAAAACCTCATAAAAGTTATAGAAATTTTAATCTCAACTGAATGGAATGAACGACA-3'
Protein context (NP_852664.1, residues 272-292): LFRFSAASSD[Asn282Thr]TENLIKVIEI